The following is an entry in ClinVar:

NM_001035.3(RYR2):c.1177A>G (p.Met393Val)

Gene: RYR2 (ryanodine receptor 2; plus strand). Cytogenetic location: 1q43.
Variant type: single nucleotide variant.
Coding change: c.1177A>G on transcript NM_001035.3 (MANE Select); coding-DNA position 1177, A replaced by G.
Protein change: p.Met393Val; replaces methionine 393 with valine.
Molecular consequence: missense variant.
Genome position (GRCh38, 1-based): chr1:237,445,407, A>G. VCF-style: chr1-237445407-A-G. GRCh37 (hg19) VCF-style: chr1-237608707-A-G.
Other names: short protein forms M393V.
Identifiers: ClinVar variation 1332197 (VCV001332197.3), dbSNP rs2150165985, ClinGen allele CA345377335.
Genomic context (GRCh38, chr1:237,445,407, plus strand): 5'-CTAGTTTGGAAAAGAGACGTTGGGAGTAATGGCCTTATTTTTGCTTTCTTACAGGCTATT[A>G]TGCATCATGAAGGCCACATGGATGATGGCATAAGTTTGTCGAGATCCCAGCATGAAGAAT-3'
Protein context (NP_001026.2, residues 383-403): RMGSIQRKAI[Met393Val]HHEGHMDDGI

ClinVar aggregate classification (germline): Uncertain significance (1 of 4 stars; one submission).

Conditions:
Cardiomyopathy (CMYO). Also called: Cardiomyopathies. Identifiers: Orphanet 167848, MedGen C0878544, MONDO:0004994, HP:0001638. Inheritance: Various modes of inheritance.

Submission:

Color Diagnostics, LLC DBA Color Health
Classification: Uncertain significance for Cardiomyopathy. Last evaluated: 2024-03-07. Review status: criteria provided, single submitter. Criteria: ACMG Guidelines, 2015. Collection method: clinical testing. Allele origin: germline.
Comment: This missense variant replaces methionine with valine at codon 393 of the RYR2 protein. Computational prediction suggests that this variant may not impact protein structure and function (internally defined REVEL score threshold <= 0.5, PMID: 27666373). To our knowledge, functional studies have not been reported for this variant. This variant has not been reported in individuals affected with cardiovascular disorders in the literature. This variant has not been identified in the general population by the Genome Aggregation Database (gnomAD). The available evidence is insufficient to determine the role of this variant in disease conclusively. Therefore, this variant is classified as a Variant of Uncertain Significance.